The following is an entry in ClinVar:

ClinVar aggregate classification (germline): Uncertain significance. Review status: criteria provided, multiple submitters, no conflicts (2 of 4 stars). 2 submissions from 2 submitters: Uncertain significance (2). Last evaluated 2024-03-20.

Conditions:
Pitt-Hopkins-like syndrome 2 (PTHSL2). Identifiers: Orphanet 221150, Orphanet 600663, MedGen C3280479, MONDO:0013690, OMIM 614325.

gnomAD v4.1: 7 of 1,598,254 alleles (0.00044%); highest among the groups gnomAD compares: Middle Eastern, 0.016%; no homozygotes.

Submissions (2):

Labcorp Genetics (formerly Invitae), Labcorp
Classification: Uncertain significance for Pitt-Hopkins-like syndrome 2. Last evaluated: 2024-03-20. Review status: criteria provided, single submitter. Criteria: Invitae Variant Classification Sherloc (09022015). Collection method: clinical testing. Allele origin: germline.
Comment: This sequence change replaces glutamic acid, which is acidic and polar, with aspartic acid, which is acidic and polar, at codon 73 of the NRXN1 protein (p.Glu73Asp). This variant is present in population databases (rs201031680, gnomAD 0.003%). This variant has not been reported in the literature in individuals affected with NRXN1-related conditions. ClinVar contains an entry for this variant (Variation ID: 206231). An algorithm developed to predict the effect of missense changes on protein structure and function (PolyPhen-2) suggests that this variant is likely to be tolerated. In summary, the available evidence is currently insufficient to determine the role of this variant in disease. Therefore, it has been classified as a Variant of Uncertain Significance.

GeneDx
Classification: Uncertain significance. Last evaluated: 2020-12-07. Review status: criteria provided, single submitter. Criteria: GeneDx Variant Classification Process June 2021. Collection method: clinical testing. Allele origin: germline. Affected: yes.
Comment: Not observed at a significant frequency in large population cohorts (Lek et al., 2016); In silico analysis supports that this missense variant does not alter protein structure/function; Has not been previously published as pathogenic or benign to our knowledge

NM_001330078.2(NRXN1):c.219G>C (p.Glu73Asp)

Gene: NRXN1 (neurexin 1; minus strand). Cytogenetic location: 2p16.3.
Variant type: single nucleotide variant.
Coding change: c.219G>C on transcript NM_001330078.2 (MANE Select); coding-DNA position 219, G replaced by C.
Protein change: p.Glu73Asp; replaces glutamic acid 73 with aspartic acid.
Molecular consequence: missense variant.
Genome position (GRCh38, 1-based): chr2:51,028,055, C>G on the plus strand (G>C on the coding strand, the complement: NRXN1 is on the minus strand). VCF-style: chr2-51028055-C-G. GRCh37 (hg19) VCF-style: chr2-51255193-C-G.
Other names: p.E73D:GAG>GAC; c.219G>C, p.Glu73Asp (NM_001135659.3, NM_001330077.2, NM_001330079.2 and 15 more transcripts); short protein forms E73D.
Identifiers: ClinVar variation 206231 (VCV000206231.12), dbSNP rs201031680, ClinGen allele CA316111.